The following is an entry in ClinVar:

NM_000350.3(ABCA4):c.1918C>T (p.Pro640Ser)

Gene: ABCA4 (ATP binding cassette subfamily A member 4; minus strand). Cytogenetic location: 1p22.1.
Variant type: single nucleotide variant.
Coding change: c.1918C>T on transcript NM_000350.3 (MANE Select); coding-DNA position 1918, C replaced by T.
Protein change: p.Pro640Ser; replaces proline 640 with serine.
Molecular consequence: missense variant.
Genome position (GRCh38, 1-based): chr1:94,062,596, G>A on the plus strand (C>T on the coding strand, the complement: ABCA4 is on the minus strand). VCF-style: chr1-94062596-G-A. GRCh37 (hg19) VCF-style: chr1-94528152-G-A.
Other names: c.1918C>T, p.Pro640Ser (NM_001425324.1); short protein forms P640S.
Identifiers: ClinVar variation 2122838 (VCV002122838.5), dbSNP rs766570903, ClinGen allele CA341279254.

ClinVar aggregate classification (germline): Likely pathogenic. Review status: criteria provided, multiple submitters, no conflicts (2 of 4 stars). 2 submissions from 2 submitters: Likely pathogenic (2). Last evaluated 2025-09-23.

Conditions:
Severe early-childhood-onset retinal dystrophy (STGD1). Also called: Stargardt macular dystrophy; Juvenile onset macular degeneration; Stargardt disease 1; MACULAR DYSTROPHY WITH FLECKS, TYPE 1; STGD. Identifiers: Orphanet 364055, Orphanet 827, MedGen C1855465, MeSH D000080362, MONDO:0009549, OMIM 248200.
Cone-rod dystrophy 3 (CORD3). Identifiers: Orphanet 1872, MedGen C1858806, MONDO:0011395, OMIM 604116.
Retinitis pigmentosa 19 (RP19). Also called: ABCA4-Related Retinitis Pigmentosa. Identifiers: Orphanet 791, MedGen C1866422, MONDO:0011137, OMIM 601718.

gnomAD v4.1: 1 of 1,614,170 alleles (0.000062%); highest among the groups gnomAD compares: South Asian, 0.0011%; no homozygotes.

Submissions (2):

Labcorp Genetics (formerly Invitae), Labcorp
Classification: Likely pathogenic. Last evaluated: 2025-09-23. Review status: criteria provided, single submitter. Criteria: Invitae Variant Classification Sherloc (09022015). Collection method: clinical testing. Allele origin: germline.
Comment: This sequence change replaces proline, which is neutral and non-polar, with serine, which is neutral and polar, at codon 640 of the ABCA4 protein (p.Pro640Ser). This variant is not present in population databases (gnomAD no frequency). This variant has not been reported in the literature in individuals affected with ABCA4-related conditions. ClinVar contains an entry for this variant (Variation ID: 2122838). Invitae Evidence Modeling of protein sequence and biophysical properties (such as structural, functional, and spatial information, amino acid conservation, physicochemical variation, residue mobility, and thermodynamic stability) indicates that this missense variant is expected to disrupt ABCA4 protein function with a positive predictive value of 95%. This variant disrupts the p.Pro640 amino acid residue in ABCA4. Other variant(s) that disrupt this residue have been determined to be pathogenic (PMID: 20647261, 29925512; internal data). This suggests that this residue is clinically significant, and that variants that disrupt this residue are likely to be disease-causing. In summary, the currently available evidence indicates that the variant is pathogenic, but additional data are needed to prove that conclusively. Therefore, this variant has been classified as Likely Pathogenic.

First Genomix Gene Laboratory, Genetic Diagnostics Department
Classification: Likely pathogenic for Cone-rod dystrophy 3; Severe early-childhood-onset retinal dystrophy; Retinitis pigmentosa 19. Last evaluated: 2025-08-04. Review status: criteria provided, single submitter. Criteria: ACMG Guidelines, 2015. Collection method: clinical testing. Allele origin: germline. Inheritance: Autosomal recessive inheritance. Affected: no. Observed: 1 variant allele.

Literature cited by the submitters: PubMed 20647261 (cited by Labcorp Genetics (formerly Invitae), Labcorp); PubMed 29925512 (cited by Labcorp Genetics (formerly Invitae), Labcorp).